The following is an entry in ClinVar:

ClinVar aggregate classification (germline): Uncertain significance. Review status: criteria provided, multiple submitters, no conflicts (2 of 4 stars). 3 submissions from 3 submitters: Uncertain significance (3). Last evaluated 2023-10-13.

Conditions:
Inborn genetic diseases. Identifiers: MedGen C0950123, MeSH D030342.
Lafora disease. Also called: Epilepsy progressive myoclonic 2; Progressive Myoclonus Epilepsy, Lafora Type. Identifiers: Orphanet 501, MedGen C0751783, MONDO:0009697.
Myoclonic epilepsy of Lafora 2. Also called: EPILEPSY, PROGRESSIVE MYOCLONIC, 2B; NHLRC1-Related Lafora Disease; LAFORA DISEASE 2; Epilepsy, progressive myoclonic 2B (Lafora). Identifiers: MedGen C1850764, MONDO:0800306, OMIM 620681.

Allele frequency attached by ClinVar (database versions not stated): TOPMed 0.00004; gnomAD 0.00005.

Submissions (3):

Ambry Genetics
Classification: Uncertain significance for Inborn genetic diseases. Last evaluated: 2023-10-13. Review status: criteria provided, single submitter. Criteria: Ambry Variant Classification Scheme 2023. Collection method: clinical testing. Allele origin: germline.

Labcorp Genetics (formerly Invitae), Labcorp
Classification: Uncertain significance for Lafora disease. Last evaluated: 2022-04-29. Review status: criteria provided, single submitter. Criteria: Invitae Variant Classification Sherloc (09022015). Collection method: clinical testing. Allele origin: germline.
Comment: This sequence change replaces leucine, which is neutral and non-polar, with valine, which is neutral and non-polar, at codon 241 of the NHLRC1 protein (p.Leu241Val). This variant is present in population databases (rs772155104, gnomAD 0.004%). This variant has not been reported in the literature in individuals affected with NHLRC1-related conditions. ClinVar contains an entry for this variant (Variation ID: 977342). Algorithms developed to predict the effect of missense changes on protein structure and function (SIFT, PolyPhen-2, Align-GVGD) all suggest that this variant is likely to be tolerated. In summary, the available evidence is currently insufficient to determine the role of this variant in disease. Therefore, it has been classified as a Variant of Uncertain Significance.

New York Genome Center
Classification: Uncertain significance for Myoclonic epilepsy of Lafora 2. Last evaluated: 2021-12-17. Review status: criteria provided, single submitter. Criteria: NYGC Assertion Criteria 2020. Collection method: clinical testing. Allele origin: germline. Observed: 1 heterozygote. Study: CSER-NYCKidSeq.

NM_198586.3(NHLRC1):c.721C>G (p.Leu241Val)

Gene: NHLRC1 (NHL repeat containing E3 ubiquitin protein ligase 1; minus strand). Cytogenetic location: 6p22.3.
Variant type: single nucleotide variant.
Coding change: c.721C>G on transcript NM_198586.3 (MANE Select); coding-DNA position 721, C replaced by G.
Protein change: p.Leu241Val; replaces leucine 241 with valine.
Molecular consequence: missense variant.
Genome position (GRCh38, 1-based): chr6:18,121,886, G>C on the plus strand (C>G on the coding strand, the complement: NHLRC1 is on the minus strand). VCF-style: chr6-18121886-G-C. GRCh37 (hg19) VCF-style: chr6-18122117-G-C.
Other names: short protein forms L241V.
Identifiers: ClinVar variation 977342 (VCV000977342.7), dbSNP rs772155104, ClinGen allele CA3649952.